The following is an entry in ClinVar:

ClinVar aggregate classification (germline): Pathogenic (1 of 4 stars; one submission).

Submission:

Labcorp Genetics (formerly Invitae), Labcorp
Classification: Pathogenic. Last evaluated: 2022-10-20. Review status: criteria provided, single submitter. Criteria: Invitae Variant Classification Sherloc (09022015). Collection method: clinical testing. Allele origin: germline.
Comment: For these reasons, this variant has been classified as Pathogenic. This variant has not been reported in the literature in individuals affected with CDH23-related conditions. This variant is not present in population databases (gnomAD no frequency). This sequence change creates a premature translational stop signal (p.Arg2270Profs*10) in the CDH23 gene. It is expected to result in an absent or disrupted protein product. Loss-of-function variants in CDH23 are known to be pathogenic (PMID: 11138009, 21940737).

Literature cited by the submitters: PubMed 11138009; PubMed 21940737.

NM_022124.6(CDH23):c.6809del (p.Arg2270fs)

Gene: CDH23 (cadherin related 23; plus strand). Cytogenetic location: 10q22.1.
Variant type: Deletion.
Coding change: c.6809del on transcript NM_022124.6 (MANE Select); coding-DNA position 6809, one base deleted (G; older notation c.6809delG).
Protein change: p.Arg2270fs; shifts the reading frame from arginine 2270.
Molecular consequence: frameshift variant.
Genome position (GRCh38, 1-based): chr10:71,797,200, G deleted. VCF-style (leftmost placement, unchanged base first): chr10-71797199-CG-C. GRCh37 (hg19) VCF-style: chr10-73556956-CG-C.
Other names: c.89del, p.Arg30fs (NM_001171933.1, NM_001171934.1); short protein forms R2270fs, R30fs.
Identifiers: ClinVar variation 2036294 (VCV002036294.4), dbSNP rs2478010687, ClinGen allele CA2580081883.